The following is an entry in ClinVar:

NM_000059.4(BRCA2):c.7558C>T (p.Arg2520Ter)

Gene: BRCA2 (BRCA2 DNA repair associated; plus strand). Cytogenetic location: 13q13.1.
Variant type: single nucleotide variant.
Coding change: c.7558C>T on transcript NM_000059.4 (MANE Select); coding-DNA position 7558, C replaced by T.
Protein change: p.Arg2520Ter; replaces arginine 2520 with a stop codon.
Molecular consequence: nonsense.
Genome position (GRCh38, 1-based): chr13:32,356,550, C>T. VCF-style: chr13-32356550-C-T. GRCh37 (hg19) VCF-style: chr13-32930687-C-T.
Other names: 7786C>T; short protein forms R2520*.
Identifiers: ClinVar variation 52353 (VCV000052353.110), dbSNP rs80358981, ClinGen allele CA025146.

ClinVar aggregate classification (germline): Pathogenic. Review status: reviewed by expert panel (3 of 4 stars). 42 submissions from 42 submitters: Pathogenic (1). 41 of the submissions do not count toward it. Last evaluated 2016-04-22.

Conditions:
Hereditary breast ovarian cancer syndrome. Also called: Breast and ovarian cancer; Hereditary breast and ovarian cancer; Hereditary breast and ovarian cancer syndrome (HBOC); Hereditary breast and ovarian cancer syndrome; BRCA1- and BRCA2-Associated Hereditary Breast and Ovarian Cancer; Hereditary breast and/or ovarian cancer syndrome. Identifiers: Orphanet 145, MedGen C0677776, MeSH D061325, MONDO:0003582. Disease mechanism: loss of function.
Fanconi anemia complementation group D1. Also called: BRCA2-Related Fanconi Anemia. Identifiers: Orphanet 319462, MedGen C1838457, MONDO:0011584, OMIM 605724.
Inherited breast cancer and ovarian cancer.
BRCA2-related cancer predisposition. Identifiers: MedGen CN377758, MONDO:0700269.
Pancreatic cancer, susceptibility to, 2. Identifiers: Orphanet 1333, MedGen C3150546, MONDO:0013235, OMIM 613347.
Glioma susceptibility 3 (GLM3). Also called: Glioblastoma 3. Identifiers: Orphanet 182067, Orphanet 360, MedGen C2751641, MONDO:0013093, OMIM 613029.
Familial prostate cancer. Also called: Hereditary Prostate Cancer. Identifiers: MedGen C2931456, MONDO:0700275, OMIM 176807.
Breast-ovarian cancer, familial, susceptibility to, 2 (BROVCA2). Also called: BRCA2 Hereditary Breast and Ovarian Cancer. Identifiers: Orphanet 145, MedGen C2675520, MONDO:0012933, OMIM 612555. Disease mechanism: loss of function.
Medulloblastoma (MDB). Also called: Medulloblastoma, somatic; MEDULLOBLASTOMA PREDISPOSITION SYNDROME. Identifiers: Orphanet 616, MedGen C0025149, MeSH D008527, MONDO:0007959, OMIM 155255, HP:0002885.
Wilms tumor 1 (WT1). Also called: Wilms tumor, somatic. Identifiers: Orphanet 654, MedGen CN033288, MONDO:0008679, OMIM 194070.
Familial cancer of breast. Also called: BREAST CANCER, FAMILIAL; hereditary breast carcinoma; Hereditary breast cancer. Identifiers: Orphanet 227535, MedGen C0346153, MONDO:0016419, OMIM 114480. Disease mechanism: loss of function.
BRCA2-related disorder. Also called: BRCA2-related condition; BRCA2-related disorders. Identifiers: MedGen CN239275.
Breast and/or ovarian cancer. Identifiers: MedGen CN221562.
Breast neoplasm. Also called: Breast Neoplasms; Neoplasm of breast; Breast tumor; Neoplasm of the breast. Identifiers: MedGen C1458155, MeSH D001943, MONDO:0021100, HP:0100013. Disease mechanism: gain of function.
Hereditary cancer-predisposing syndrome. Also called: Neoplastic Syndromes, Hereditary; Tumor predisposition; Hereditary Cancer Syndrome; Hereditary neoplastic syndrome. Identifiers: Orphanet 140162, MedGen C0027672, MeSH D009386, MONDO:0015356.
Breast-ovarian cancer, familial, susceptibility to, 1 (BROVCA1). Also called: BRCA1 Hereditary Breast and Ovarian Cancer; OVARIAN CANCER, SUSCEPTIBILITY TO. Identifiers: Orphanet 145, MedGen C2676676, MONDO:0011450, OMIM 604370. Disease mechanism: loss of function.
Malignant tumor of breast. Also called: Cancer breast; Malignant breast neoplasm. Identifiers: MedGen C0006142, MONDO:0007254. Disease mechanism: loss of function.

Allele frequency attached by ClinVar (database versions not stated): gnomAD 0.00001; gnomAD exomes 0.00001 and 0.00002; ExAC 0.00002; TOPMed 0.00002; ESP Exome Variant Server 0.00008.
gnomAD v4.1: 12 of 1,614,094 alleles (0.00074%); highest among the groups gnomAD compares: African/African-American, 0.0053%; no homozygotes.

Submissions 1 to 8 of 42:

Evidence-based Network for the Interpretation of Germline Mutant Alleles (ENIGMA)
Classification: Pathogenic for Breast-ovarian cancer, familial, susceptibility to, 2. Last evaluated: 2016-04-22. Review status: reviewed by expert panel. Criteria: ENIGMA BRCA1/2 Classification Criteria (2015). Collection method: curation. Allele origin: germline.
Comment: Variant allele predicted to encode a truncated non-functional protein.

Ambry Genetics
Classification: Pathogenic for Hereditary cancer-predisposing syndrome. Last evaluated: 2026-04-11. Review status: criteria provided, single submitter. Criteria: Ambry Variant Classification Scheme 2023. Collection method: clinical testing. Allele origin: germline. Not counted in ClinVar's aggregate classification.
Comment: The c.7558C>T (p.R2520*) alteration, located in exon 15 (coding exon 14) of the BRCA2 gene, consists of a C to T substitution at nucleotide position 7558. This changes the amino acid from a arginine (R) to a stop codon at amino acid position 2520. This variant is expected to result in loss of function by premature protein truncation or nonsense-mediated mRNA decay. Based on data from gnomAD, the T allele has an overall frequency of 0.002% (5/251188) total alleles studied. This variant has been reported in multiple Hereditary Breast and Ovarian Cancer Syndrome (HBOC) families from various ethnic backgrounds (H&aring;kansson, 1997; Adem, 2003; Malander, 2004; Rebbeck, 2004; Pal, 2005; Borg, 2010; Yang, 2011; Litton, 2012; Bayraktar, 2012; Haiman, 2013; Cast&eacute;ra, 2014; Wong-Brown, 2015; Kang, 2015; Lu, 2015; Shirts, 2016; Donenberg, 2016; Maxwell, 2017; Sun, 2017; Zidekova, 2018; Arai, 2017; Wardell, 2018; Wen, 2018; Rebbeck, 2018; Carter, 2018; Kwong, 2018; Deng, 2019; Manchana, 2019). In one study, this variant was reported in 10/60,466 breast cancer cases as well as in 4/53,461 controls (Breast Cancer Association, 2021). This variant has also been reported in patients with prostate, pancreatic, esophageal and renal cancers (Na, 2017; Ibrahim, 2018; Wu, 2020; Veyseh, 2018; Toss, 2019; Wolfe, 2019; Ko, 2020; Hartman, 2020). This variant has also been detected in cohorts of healthy individuals who underwent multigene panel testing (Grzymski, 2020; Qin, 2021). Of note, this alteration is also designated as 7786C>T in published literature. Based on the available evidence, this alteration is classified as pathogenic.

Dasa
Classification: Pathogenic. Last evaluated: 2026-02-23. Review status: criteria provided, single submitter. Criteria: DASA Assertion Criteria. Collection method: clinical testing. Allele origin: germline. Not counted in ClinVar's aggregate classification.
Comment: NM_000059.4(BRCA2):c.7558C>T (p.Arg2520Ter) introduces a premature termination codon predicted to result in loss of normal protein function. Loss-of-function is an established mechanism of disease for this gene. This variant has been recurrently observed in individuals with related phenotype (PMID: 34570441; PMID: 29534594; PMID: 28194609; PMID: 35834759; PMID: 36853301). The variant is present at low frequency in population datasets. Based on the available data, this variant is classified as pathogenic.

Labcorp Genetics (formerly Invitae), Labcorp
Classification: Pathogenic for Hereditary breast ovarian cancer syndrome. Last evaluated: 2026-01-09. Review status: criteria provided, single submitter. Criteria: Invitae Variant Classification Sherloc (09022015). Collection method: clinical testing. Allele origin: germline. Not counted in ClinVar's aggregate classification.
Comment: This sequence change creates a premature translational stop signal (p.Arg2520*) in the BRCA2 gene. It is expected to result in an absent or disrupted protein product. Loss-of-function variants in BRCA2 are known to be pathogenic (PMID: 20104584). This variant is present in population databases (rs80358981, gnomAD 0.003%). This premature translational stop signal has been observed in individual(s) with breast and/or ovarian cancer and pancreatic cancer (PMID: 9150154, 14981104, 16284991, 20104584, 21990299, 22009639, 23242139, 24959366, 25863477). This variant is also known as 7786C>T. ClinVar contains an entry for this variant (Variation ID: 52353). For these reasons, this variant has been classified as Pathogenic.

Genetics Laboratory, Great Ormond Street Hospital NHS Foundation Trust, North Thames Genomic Laboratory Hub
Classification: Pathogenic for Inherited breast cancer and ovarian cancer. Last evaluated: 2025-12-23. Review status: criteria provided, single submitter. Criteria: CanVIG BRCA Gene Specific V1.22. Collection method: clinical testing. Allele origin: germline. Affected: yes. Not counted in ClinVar's aggregate classification.
Comment: PS4_supporting, PVS1_very-strong, PM5_strong, PP4_very-strong

PreventionGenetics, part of Exact Sciences
Classification: Pathogenic for BRCA2-related condition. Last evaluated: 2025-12-22. Review status: criteria provided, single submitter. Criteria: ACMG Guidelines, 2015. Collection method: clinical testing. Allele origin: germline. Not counted in ClinVar's aggregate classification.
Comment: The BRCA2 c.7558C>T variant is predicted to result in premature protein termination (p.Arg2520*). Using alternative nomenclature, this variant is also referred to as c.7786C>T. This variant has been reported in multiple individuals with breast and/or ovarian cancers (see for example: Håkansson et al. 1997. PubMed ID: 9150154; Pruss et al. 2014. PubMed ID: 25085752; Kang et al. 2015. PubMed ID: 25863477). This variant is reported in 0.0029% of alleles in individuals of Latino descent in gnomAD and this variant has been classified as pathogenic by an expert panel in ClinVar (Variation ID: 52353). Nonsense variants in BRCA2 are expected to be pathogenic. We interpret this variant as pathogenic.

Variantyx, Inc.
Classification: Pathogenic for Familial prostate cancer. Last evaluated: 2025-08-15. Review status: criteria provided, single submitter. Criteria: Variantyx Assertion Criteria 2022. Collection method: clinical testing. Allele origin: germline. Inheritance: Autosomal dominant inheritance. Affected: yes. Not counted in ClinVar's aggregate classification.
Comment: This is a nonsense variant in the BRCA2 gene (OMIM: 600185). Pathogenic variants in this gene have been associated with autosomal dominant susceptibility to familial breast-ovarian cancer 2. This variant introduces a premature termination codon in exon 15 out of 27 and is expected to result in loss of function, which is a known disease mechanism for BRCA2 in this disorder (PMID: 16199546, 17063271, 25632310, 12097290, 11897832, 12569143) (PVS1). It has been reported in at least six unrelated affected individuals (PMID: 9150154, 24959366, 22009639, 21913181, 14746861, 25863477) (PS4_Moderate) and has a 0.0053% maximum allele frequency in non-founder control populations. Based on the current evidence, this variant is classified as pathogenic for autosomal dominant BRCA2-related disorders (cancer).

CeGaT Center for Human Genetics Tuebingen
Classification: Pathogenic. Last evaluated: 2025-07-01. Review status: criteria provided, single submitter. Criteria: CeGaT Center For Human Genetics Tuebingen Variant Classification Criteria Version 2. Collection method: clinical testing. Allele origin: germline. Affected: yes. Observed: 6 variant alleles. Not counted in ClinVar's aggregate classification.
Comment: BRCA2: PVS1, PM2, PS4:Moderate